The following is an entry in ClinVar:

ClinVar aggregate classification (germline): Uncertain significance (1 of 4 stars; one submission).

Submission:

Labcorp Genetics (formerly Invitae), Labcorp
Classification: Uncertain significance. Last evaluated: 2024-12-10. Review status: criteria provided, single submitter. Criteria: Invitae Variant Classification Sherloc (09022015). Collection method: clinical testing. Allele origin: germline.
Comment: This sequence change affects a donor splice site in intron 7 of the MMP14 gene. It is expected to disrupt RNA splicing. Variants that disrupt the donor or acceptor splice site typically lead to a loss of protein function (PMID: 16199547), however the current clinical and genetic evidence is not sufficient to establish whether loss-of-function variants in MMP14 cause disease. This variant is not present in population databases (gnomAD no frequency). This variant has not been reported in the literature in individuals affected with MMP14-related conditions. Algorithms developed to predict the effect of sequence changes on RNA splicing suggest that this variant may disrupt the consensus splice site. In summary, the available evidence is currently insufficient to determine the role of this variant in disease. Therefore, it has been classified as a Variant of Uncertain Significance.

Literature cited by the submitters: PubMed 16199547.

NM_004995.4(MMP14):c.1150+2T>C

Gene: MMP14 (matrix metallopeptidase 14; plus strand). Cytogenetic location: 14q11.2.
Variant type: single nucleotide variant.
Coding change: c.1150+2T>C on transcript NM_004995.4 (MANE Select); the canonical splice donor site of the intron after coding-DNA position 1150, T replaced by C.
Molecular consequence: splice donor variant.
Genome position (GRCh38, 1-based): chr14:22,844,511, T>C. VCF-style: chr14-22844511-T-C. GRCh37 (hg19) VCF-style: chr14-23313720-T-C.
Identifiers: ClinVar variation 3727019 (VCV003727019.2).